The following is an entry in ClinVar:

NM_020884.7(MYH7B):c.5069C>T (p.Ala1690Val)

Gene: MYH7B (myosin heavy chain 7B; plus strand). Cytogenetic location: 20q11.22.
Variant type: single nucleotide variant.
Coding change: c.5069C>T on transcript NM_020884.7 (MANE Select); coding-DNA position 5069, C replaced by T.
Protein change: p.Ala1690Val; replaces alanine 1690 with valine.
Molecular consequence: missense variant.
Genome position (GRCh38, 1-based): chr20:35,000,580, C>T. VCF-style: chr20-35000580-C-T. GRCh37 (hg19) VCF-style: chr20-33588383-C-T.
Other names: short protein forms A1690V.
Identifiers: ClinVar variation 4692665 (VCV004692665.1).
Genomic context (GRCh38, chr20:35,000,580, plus strand): 5'-TGGCAGCTGAGCTCCACGAGCAGGCGCAGGCTCTGGAGCGCCGGGCCTCGCTGCTGGCTG[C>T]GGAGCTGGAGGAGCTGCGGGCTGCCCTGGAGCAGGGCGAGCGCAGCCGGCGACTGGCAGA-3'
Protein context (NP_065935.4, residues 1680-1700): ALERRASLLA[Ala1690Val]ELEELRAALE

ClinVar aggregate classification (germline): Uncertain significance (1 of 4 stars; one submission).

gnomAD v4.1: 12 of 1,569,058 alleles (0.00076%); highest among the groups gnomAD compares: Admixed American, 0.0019%; no homozygotes.

Submission:

Labcorp Genetics (formerly Invitae), Labcorp
Classification: Uncertain significance. Last evaluated: 2025-11-28. Review status: criteria provided, single submitter. Criteria: Invitae Variant Classification Sherloc (09022015). Collection method: clinical testing. Allele origin: germline.
Comment: This sequence change replaces alanine, which is neutral and non-polar, with valine, which is neutral and non-polar, at codon 1732 of the MYH7B protein (p.Ala1732Val). The frequency data for this variant in the population databases is considered unreliable, as metrics indicate poor data quality at this position in the gnomAD database. This variant has not been reported in the literature in individuals affected with MYH7B-related conditions. Invitae Evidence Modeling of protein sequence and biophysical properties (such as structural, functional, and spatial information, amino acid conservation, physicochemical variation, residue mobility, and thermodynamic stability) indicates that this missense variant is not expected to disrupt MYH7B protein function with a negative predictive value of 80%. In summary, the available evidence is currently insufficient to determine the role of this variant in disease. Therefore, it has been classified as a Variant of Uncertain Significance.